The following is an entry in ClinVar:

ClinVar aggregate classification (germline): Likely benign (1 of 4 stars; one submission).

gnomAD v4.1: 3,114 of 1,614,042 alleles (0.19%); highest among the groups gnomAD compares: Non-Finnish European, 0.23%; 7 homozygotes.

Submission:

CeGaT Center for Human Genetics Tuebingen
Classification: Likely benign. Last evaluated: 2026-08-01. Review status: criteria provided, single submitter. Criteria: CeGaT Center For Human Genetics Tuebingen Variant Classification Criteria Version 2. Collection method: clinical testing. Allele origin: germline. Affected: yes. Observed: 1 variant allele.
Comment: MAU2: BP4, BP7

NM_015329.4(MAU2):c.1362G>A (p.Ser454=)

Gene: MAU2 (MAU2 sister chromatid cohesion factor; plus strand). Cytogenetic location: 19p13.11.
Variant type: single nucleotide variant.
Coding change: c.1362G>A on transcript NM_015329.4 (MANE Select); coding-DNA position 1362, G replaced by A.
Protein change: p.Ser454=; no amino-acid change (serine 454 retained).
Molecular consequence: synonymous variant.
Genome position (GRCh38, 1-based): chr19:19,349,158, G>A. VCF-style: chr19-19349158-G-A. GRCh37 (hg19) VCF-style: chr19-19459967-G-A.
Identifiers: ClinVar variation 5038543 (VCV005038543.1).